The following is an entry in ClinVar:

NM_000257.4(MYH7):c.4660G>C (p.Glu1554Gln)

Genes: MHRT (myosin heavy chain associated RNA transcript; plus strand), MYH7 (myosin heavy chain 7; minus strand), LOC126861897 (BRD4-independent group 4 enhancer GRCh37_chr14:23884455-23885654; plus strand). Cytogenetic location: 14q11.2.
Variant type: single nucleotide variant.
Coding change: c.4660G>C on transcript NM_000257.4 (MANE Select); coding-DNA position 4660, G replaced by C.
Protein change: p.Glu1554Gln; replaces glutamic acid 1554 with glutamine.
Molecular consequence: missense variant. On other transcripts: non-coding transcript variant (1).
Genome position (GRCh38, 1-based): chr14:23,416,297, C>G on the plus strand (G>C on the coding strand, the complement: MYH7 is on the minus strand). VCF-style: chr14-23416297-C-G. GRCh37 (hg19) VCF-style: chr14-23885506-C-G.
Other names: c.4660G>C, p.Glu1554Gln (NM_001407004.1); short protein forms E1554Q.
Identifiers: ClinVar variation 3072558 (VCV003072558.3), dbSNP rs142694139, ClinGen allele CA043434.
Genomic context (GRCh38, chr14:23,416,297, plus strand): 5'-GCTCGATCTCTGCCTTGATCTGGTTGAACTCCAGCTGGGCCCGGAGGATCTTGCCCTCCT[C>G]GTGCTCCAGGGAGGCCTGGGAAGGGGTTGGGGGAGGGGATGCAGGCAGACAGTCAGGGCA-3'
Protein context (NP_000248.2, residues 1544-1564): LEEAEASLEH[Glu1554Gln]EGKILRAQLE

ClinVar aggregate classification (germline): Uncertain significance. Review status: criteria provided, multiple submitters, no conflicts (2 of 4 stars). 2 submissions from 2 submitters: Uncertain significance (2). Last evaluated 2024-04-16.

Conditions:
Cardiomyopathy (CMYO). Also called: Cardiomyopathies. Identifiers: Orphanet 167848, MedGen C0878544, MONDO:0004994, HP:0001638. Inheritance: Various modes of inheritance.

Allele frequency attached by ClinVar (database versions not stated): gnomAD exomes below 0.00001; ExAC 0.00002; gnomAD 0.00003; TOPMed 0.00004; ESP Exome Variant Server 0.00015.

Submissions (2):

All of Us Research Program, National Institutes of Health
Classification: Uncertain significance for Cardiomyopathy. Last evaluated: 2024-04-16. Review status: criteria provided, single submitter. Criteria: ACMG Guidelines, 2015. Collection method: clinical testing. Allele origin: germline. Inheritance: Autosomal dominant inheritance. Observed: 2 variant alleles, 2 heterozygotes.
Comment: This missense variant replaces glutamic acid with glutamine at codon 1554 of the MYH7 protein. Computational prediction suggests that this variant may have a deleterious impact on protein structure and function (internally defined REVEL score threshold >= 0.7, PMID: 27666373). To our knowledge, functional studies have not been reported for this variant. This variant has been reported in an individual affected with dilated cardiomyopathy and arrhythmia (PMID: 29343803). This variant has been identified in 3/250368 chromosomes in the general population by the Genome Aggregation Database (gnomAD). The available evidence is insufficient to determine the role of this variant in disease conclusively. Therefore, this variant is classified as a Variant of Uncertain Significance.

This study involves interpretation of variants in research participants for the purpose of population health screening. Participant phenotype was not available at the time of variant classification. Additional details can be found in publication PMID: 35346344, PMCID: PMC8962531

Blueprint Genetics
Classification: Uncertain significance. Last evaluated: 2023-07-27. Review status: criteria provided, single submitter. Criteria: ACMG Guidelines, 2015. Collection method: clinical testing. Allele origin: germline.

Literature cited by the submitters: PubMed 29343803 (cited by All of Us Research Program, National Institutes of Health).